The following is an entry in ClinVar:

ClinVar aggregate classification (germline): Uncertain significance. Review status: criteria provided, multiple submitters, no conflicts (2 of 4 stars). 2 submissions from 2 submitters: Uncertain significance (2). Last evaluated 2025-04-12.

Conditions:
Loeys-Dietz syndrome 2 (LDS2). Also called: TGFBR2-Related Loeys-Dietz Syndrome; AORTIC ANEURYSM, FAMILIAL THORACIC 3; MARFAN SYNDROME, TYPE II; Marfan syndrome, type 2 (formerly); Marfan Syndrome type 2; Marfan like connective tissue disorder. Identifiers: Orphanet 284973, Orphanet 558, MedGen C2674574, MONDO:0012427, OMIM 610168.

Allele frequency attached by ClinVar (database versions not stated): gnomAD exomes below 0.00001.
gnomAD v4.1: 3 of 1,612,826 alleles (0.00019%); highest among the groups gnomAD compares: Non-Finnish European, 0.00025%; no homozygotes.

Submissions (3):

Ambry Genetics
Classification: Uncertain significance. Last evaluated: 2025-04-12. Review status: criteria provided, single submitter. Criteria: Ambry Variant Classification Scheme 2023. Collection method: clinical testing. Allele origin: germline.
Comment: The p.Q39H variant (also known as c.117G>C), located in coding exon 1 of the TMPO gene, results from a G to C substitution at nucleotide position 117. The glutamine at codon 39 is replaced by histidine, an amino acid with highly similar properties. This amino acid position is conserved. In addition, the in silico prediction for this alteration is inconclusive. Based on the available evidence, the clinical significance of this variant remains unclear.

Labcorp Genetics (formerly Invitae), Labcorp
Classification: Uncertain significance for Loeys-Dietz syndrome 2. Last evaluated: 2024-04-08. Review status: criteria provided, single submitter. Criteria: Invitae Variant Classification Sherloc (09022015). Collection method: clinical testing. Allele origin: germline.
Comment: This sequence change replaces glutamine, which is neutral and polar, with histidine, which is basic and polar, at codon 39 of the TMPO protein (p.Gln39His). This variant is present in population databases (no rsID available, gnomAD 0.0009%). This variant has not been reported in the literature in individuals affected with TMPO-related conditions. ClinVar contains an entry for this variant (Variation ID: 469126). An algorithm developed to predict the effect of missense changes on protein structure and function (PolyPhen-2) suggests that this variant is likely to be disruptive. In summary, the available evidence is currently insufficient to determine the role of this variant in disease. Therefore, it has been classified as a Variant of Uncertain Significance.

Dr. Peter K. Rogan Lab, Western University
No classification provided (evidence only). Condition: Lung cancer. Review status: no classification provided. Collection method: in vitro. Allele origin: not applicable. Functional consequence: retained intron. Not counted in ClinVar's aggregate classification.

NM_001032283.3(TMPO):c.117G>C (p.Gln39His)

Genes: TMPO (thymopoietin; plus strand), TMPO-AS1 (TMPO antisense RNA 1; minus strand). Cytogenetic location: 12q23.1.
Variant type: single nucleotide variant.
Coding change: c.117G>C on transcript NM_001032283.3 (MANE Select); coding-DNA position 117, G replaced by C.
Protein change: p.Gln39His; replaces glutamine 39 with histidine.
Molecular consequence: missense variant.
Genome position (GRCh38, 1-based): chr12:98,515,984, G>C. VCF-style: chr12-98515984-G-C. GRCh37 (hg19) VCF-style: chr12-98909762-G-C.
Other names: c.117G>C, p.Gln39His (NM_001032284.3, NM_001307975.2, NM_003276.2); short protein forms Q39H.
Identifiers: ClinVar variation 469126 (VCV000469126.11), dbSNP rs1285673694, ClinGen allele CA386239477.
Genomic context (GRCh38, chr12:98,515,984, plus strand): 5'-GTTGGTCGCCAACAATGTGACGCTGCCGGCCGGGGAGCAGCGCAAAGACGTGTACGTCCA[G>C]CTCTACCTGCAGCACCTCACGGCTCGCAACCGGCCGCCGCTCCCCGCCGGCACCAACAGC-3'
Protein context (NP_001027454.1, residues 29-49): AGEQRKDVYV[Gln39His]LYLQHLTARN